The following is an entry in ClinVar:

ClinVar aggregate classification (germline): Uncertain significance (1 of 4 stars; one submission).

Conditions:
RASopathy. Also called: Noonan spectrum disorder; rasopathies. Identifiers: Orphanet 536391, MedGen C5555857, MONDO:0021060.

Allele frequency attached by ClinVar (database versions not stated): TOPMed below 0.00001.
gnomAD v4.1: 10 of 1,580,122 alleles (0.00063%); highest among the groups gnomAD compares: Non-Finnish European, 0.00086%; no homozygotes.

Submission:

Labcorp Genetics (formerly Invitae), Labcorp
Classification: Uncertain significance for RASopathy. Last evaluated: 2025-08-12. Review status: criteria provided, single submitter. Criteria: Invitae Variant Classification Sherloc (09022015). Collection method: clinical testing. Allele origin: germline.
Comment: This sequence change replaces alanine, which is neutral and non-polar, with aspartic acid, which is acidic and polar, at codon 11 of the CBL protein (p.Ala11Asp). The frequency data for this variant in the population databases is considered unreliable, as metrics indicate poor data quality at this position in the gnomAD database. This variant has not been reported in the literature in individuals affected with CBL-related conditions. ClinVar contains an entry for this variant (Variation ID: 2899645). Invitae Evidence Modeling of protein sequence and biophysical properties (such as structural, functional, and spatial information, amino acid conservation, physicochemical variation, residue mobility, and thermodynamic stability) indicates that this missense variant is not expected to disrupt CBL protein function with a negative predictive value of 95%. In summary, the available evidence is currently insufficient to determine the role of this variant in disease. Therefore, it has been classified as a Variant of Uncertain Significance.

NM_005188.4(CBL):c.32C>A (p.Ala11Asp)

Genes: CBL (Cbl proto-oncogene; plus strand), LOC130006895 (ATAC-STARR-seq lymphoblastoid silent region 3975; plus strand). Cytogenetic location: 11q23.3.
Variant type: single nucleotide variant.
Coding change: c.32C>A on transcript NM_005188.4 (MANE Select); coding-DNA position 32, C replaced by A.
Protein change: p.Ala11Asp; replaces alanine 11 with aspartic acid.
Molecular consequence: missense variant.
Genome position (GRCh38, 1-based): chr11:119,206,449, C>A. VCF-style: chr11-119206449-C-A. GRCh37 (hg19) VCF-style: chr11-119077159-C-A.
Other names: short protein forms A11D.
Identifiers: ClinVar variation 2899645 (VCV002899645.3), dbSNP rs1302101624, ClinGen allele CA382975706.